The following is an entry in ClinVar:

ClinVar aggregate classification (germline): Likely benign (1 of 4 stars; one submission).

Submission:

Women's Health and Genetics/Laboratory Corporation of America, LabCorp
Classification: Likely benign. Last evaluated: 2024-10-11. Review status: criteria provided, single submitter. Criteria: LabCorp Variant Classification Summary - May 2015. Collection method: clinical testing. Allele origin: germline.
Comment: Variant summary: PSEN1 c.903A>G alters a non-conserved nucleotide resulting in a synonymous change. Consensus agreement among computation tools predict no significant impact on normal splicing. However, these predictions have yet to be confirmed by functional studies. The variant was absent in 251412 control chromosomes. The available data on variant occurrences in the general population are insufficient to allow any conclusion about variant significance. To our knowledge, no occurrence of c.903A>G in individuals affected with Alzheimer Disease, Type 3 and no experimental evidence demonstrating its impact on protein function have been reported. No submitters have cited clinical-significance assessments for this variant to ClinVar. Based on the evidence outlined above, the variant was classified as likely benign.

NM_000021.4(PSEN1):c.903A>G (p.Gly301=)

Gene: PSEN1 (presenilin 1; plus strand). Cytogenetic location: 14q24.2.
Variant type: single nucleotide variant.
Coding change: c.903A>G on transcript NM_000021.4 (MANE Select); coding-DNA position 903, A replaced by G.
Protein change: p.Gly301=; no amino-acid change (glycine 301 retained).
Molecular consequence: synonymous variant.
Genome position (GRCh38, 1-based): chr14:73,206,420, A>G. VCF-style: chr14-73206420-A-G. GRCh37 (hg19) VCF-style: chr14-73673128-A-G.
Other names: c.891A>G, p.Gly297= (NM_007318.3).
Identifiers: ClinVar variation 3384762 (VCV003384762.1).